The following is an entry in ClinVar:

ClinVar aggregate classification (germline): Uncertain significance (1 of 4 stars; one submission).

Conditions:
Hereditary cancer-predisposing syndrome. Also called: Neoplastic Syndromes, Hereditary; Tumor predisposition; Hereditary Cancer Syndrome; Hereditary neoplastic syndrome. Identifiers: Orphanet 140162, MedGen C0027672, MeSH D009386, MONDO:0015356.

Submission:

Ambry Genetics
Classification: Uncertain significance for Hereditary cancer-predisposing syndrome. Last evaluated: 2020-08-10. Review status: criteria provided, single submitter. Criteria: Ambry Variant Classification Scheme 2023. Collection method: clinical testing. Allele origin: germline.
Comment: The p.R635S variant (also known as c.1905A>T), located in coding exon 4 of the MSH6 gene, results from an A to T substitution at nucleotide position 1905. The arginine at codon 635 is replaced by serine, an amino acid with dissimilar properties. This amino acid position is not well conserved in available vertebrate species. In addition, this alteration is predicted to be tolerated by in silico analysis. Since supporting evidence is limited at this time, the clinical significance of this alteration remains unclear.

NM_000179.3(MSH6):c.1905A>T (p.Arg635Ser)

Gene: MSH6 (mutS homolog 6; plus strand). Cytogenetic location: 2p16.3.
Variant type: single nucleotide variant.
Coding change: c.1905A>T on transcript NM_000179.3 (MANE Select); coding-DNA position 1905, A replaced by T.
Protein change: p.Arg635Ser; replaces arginine 635 with serine.
Molecular consequence: missense variant.
Genome position (GRCh38, 1-based): chr2:47,799,888, A>T. VCF-style: chr2-47799888-A-T. GRCh37 (hg19) VCF-style: chr2-48027027-A-T.
Other names: c.1515A>T, p.Arg505Ser (NM_001281492.2); c.999A>T, p.Arg333Ser (NM_001281493.2, NM_001281494.2, NM_001406811.1 and 6 more transcripts); c.2001A>T, p.Arg667Ser (NM_001406795.1, NM_001406802.1); c.1905A>T, p.Arg635Ser (NM_001406796.1, NM_001406798.1, NM_001406800.1 and 3 more transcripts); c.1608A>T, p.Arg536Ser (NM_001406797.1, NM_001406801.1, NM_001406805.1 and 10 more transcripts); c.1380A>T, p.Arg460Ser (NM_001406799.1, NM_001406806.1, NM_001406807.1); c.1827A>T, p.Arg609Ser (NM_001406804.1); c.1911A>T, p.Arg637Ser (NM_001406813.1); and 1 more; short protein forms R609S, R333S, R460S, R667S, R505S, R579S, R635S, R536S.
Identifiers: ClinVar variation 1782366 (VCV001782366.2), dbSNP rs2104375127, ClinGen allele CA346750145.
Genomic context (GRCh38, chr2:47,799,888, plus strand): 5'-TTCTCTTCAGGAAGGTCTGATACCCGGCTCCCAGTTTTGGGATGCATCCAAAACTTTGAG[A>T]ACTCTCCTTGAGGAAGAATATTTTAGGGAAAAGCTAAGTGATGGCATTGGGGTGATGTTA-3'
Protein context (NP_000170.1, residues 625-645): SQFWDASKTL[Arg635Ser]TLLEEEYFRE